The following is an entry in ClinVar:

NM_006031.6(PCNT):c.1885_1886delinsAA (p.Ser629Lys)

Gene: PCNT (pericentrin; plus strand). Cytogenetic location: 21q22.3.
Variant type: Indel.
Coding change: c.1885_1886delinsAA on transcript NM_006031.6 (MANE Select); coding-DNA positions 1885 to 1886, TC replaced by AA.
Protein change: p.Ser629Lys; replaces serine 629 with lysine.
Molecular consequence: missense variant.
Genome position (GRCh38, 1-based): chr21:46,355,575-46,355,576, TC replaced by AA. VCF-style: chr21-46355575-TC-AA. GRCh37 (hg19) VCF-style: chr21-47775490-TC-AA.
Other names: c.1885_1886delTCinsAA (NM_006031.5); c.1885_1886delinsAA (NM_006031.5); c.1531_1532delinsAA, p.Ser511Lys (NM_001315529.2); short protein forms S511K, S629K.
Identifiers: ClinVar variation 511379 (VCV000511379.2), dbSNP rs1555955867, ClinGen allele CA658799481.

ClinVar aggregate classification (germline): Conflicting classifications of pathogenicity. Review status: criteria provided, conflicting classifications (1 of 4 stars). 2 submissions from 2 submitters: Uncertain significance (1); Likely benign (1). Last evaluated 2026-08-19.

Conditions:
PCNT-related disorder. Also called: PCNT-related condition.

Submissions (2):

PreventionGenetics, part of Exact Sciences
Classification: Uncertain significance for PCNT-related condition. Last evaluated: 2026-08-19. Review status: criteria provided, single submitter. Criteria: ACMG Guidelines, 2015. Collection method: clinical testing. Allele origin: germline.
Comment: The PCNT c.1885_1886delinsAA variant is predicted to result in an in-frame deletion and insertion. To our knowledge, this variant has not been reported in the literature or in a large population database (gnomAD), indicating this variant is rare. At this time, the clinical significance of this variant is uncertain due to the absence of conclusive functional and genetic evidence.

GeneDx
Classification: Likely benign. Last evaluated: 2017-08-04. Review status: criteria provided, single submitter. Criteria: GeneDx Variant Classification (06012015). Collection method: clinical testing. Allele origin: germline. Affected: yes.
Comment: This variant is considered likely benign or benign based on one or more of the following criteria: it is a conservative change, it occurs at a poorly conserved position in the protein, it is predicted to be benign by multiple in silico algorithms, and/or has population frequency not consistent with disease.